The following is an entry in ClinVar:

ClinVar aggregate classification (germline): Uncertain significance (1 of 4 stars; one submission).

Conditions:
Fanconi anemia (FA). Also called: Fanconi's anemia. Identifiers: Orphanet 84, MedGen C0015625, MeSH D005199, MONDO:0019391.

gnomAD v4.1: 1 of 1,592,470 alleles (0.000063%); highest among the groups gnomAD compares: Non-Finnish European, 0.000086%; no homozygotes.

Submission:

Labcorp Genetics (formerly Invitae), Labcorp
Classification: Uncertain significance for Fanconi anemia. Last evaluated: 2024-07-11. Review status: criteria provided, single submitter. Criteria: Invitae Variant Classification Sherloc (09022015). Collection method: clinical testing. Allele origin: germline.
Comment: This sequence change replaces serine, which is neutral and polar, with alanine, which is neutral and non-polar, at codon 55 of the FANCD2 protein (p.Ser55Ala). This variant is not present in population databases (gnomAD no frequency). This variant has not been reported in the literature in individuals affected with FANCD2-related conditions. Advanced modeling of protein sequence and biophysical properties (such as structural, functional, and spatial information, amino acid conservation, physicochemical variation, residue mobility, and thermodynamic stability) performed at Invitae indicates that this missense variant is not expected to disrupt FANCD2 protein function with a negative predictive value of 80%. In summary, the available evidence is currently insufficient to determine the role of this variant in disease. Therefore, it has been classified as a Variant of Uncertain Significance.

NM_001018115.3(FANCD2):c.163T>G (p.Ser55Ala)

Genes: FANCD2 (FA complementation group D2; plus strand), LOC107303338 (3p25 FANCD2 Alu-mediated recombination region; plus strand). Cytogenetic location: 3p25.3.
Variant type: single nucleotide variant.
Coding change: c.163T>G on transcript NM_001018115.3 (MANE Select); coding-DNA position 163, T replaced by G.
Protein change: p.Ser55Ala; replaces serine 55 with alanine.
Molecular consequence: missense variant.
Genome position (GRCh38, 1-based): chr3:10,032,930, T>G. VCF-style: chr3-10032930-T-G. GRCh37 (hg19) VCF-style: chr3-10074614-T-G.
Other names: c.163T>G, p.Ser55Ala (NM_001319984.2, NM_001374253.1, NM_001374254.1 and 2 more transcripts); short protein forms S55A.
Identifiers: ClinVar variation 3605591 (VCV003605591.2).